The following is an entry in ClinVar:

ClinVar aggregate classification (germline): Uncertain significance (1 of 4 stars; one submission).

Allele frequency attached by ClinVar (database versions not stated): gnomAD exomes below 0.00001.
gnomAD v4.1: 1 of 1,613,228 alleles (0.000062%); highest among the groups gnomAD compares: Admixed American, 0.0017%; no homozygotes.

Submission:

Labcorp Genetics (formerly Invitae), Labcorp
Classification: Uncertain significance. Last evaluated: 2024-01-29. Review status: criteria provided, single submitter. Criteria: Invitae Variant Classification Sherloc (09022015). Collection method: clinical testing. Allele origin: germline.
Comment: This sequence change replaces serine, which is neutral and polar, with proline, which is neutral and non-polar, at codon 34 of the NDUFS4 protein (p.Ser34Pro). This variant is present in population databases (no rsID available, gnomAD 0.003%). This variant has not been reported in the literature in individuals affected with NDUFS4-related conditions. ClinVar contains an entry for this variant (Variation ID: 2122088). An algorithm developed to predict the effect of missense changes on protein structure and function (PolyPhen-2) suggests that this variant is likely to be tolerated. In summary, the available evidence is currently insufficient to determine the role of this variant in disease. Therefore, it has been classified as a Variant of Uncertain Significance.

NM_002495.4(NDUFS4):c.100T>C (p.Ser34Pro)

Gene: NDUFS4 (NADH:ubiquinone oxidoreductase subunit S4; plus strand). Cytogenetic location: 5q11.2.
Variant type: single nucleotide variant.
Coding change: c.100T>C on transcript NM_002495.4 (MANE Select); coding-DNA position 100, T replaced by C.
Protein change: p.Ser34Pro; replaces serine 34 with proline.
Molecular consequence: missense variant. On other transcripts: non-coding transcript variant (3).
Genome position (GRCh38, 1-based): chr5:53,603,453, T>C. VCF-style: chr5-53603453-T-C. GRCh37 (hg19) VCF-style: chr5-52899283-T-C.
Other names: c.100T>C, p.Ser34Pro (NM_001318051.2); short protein forms S34P.
Identifiers: ClinVar variation 2122088 (VCV002122088.4), dbSNP rs1311917986, ClinGen allele CA359718544.